The following is an entry in ClinVar:

ClinVar aggregate classification (germline): Uncertain significance (1 of 4 stars; one submission).

Conditions:
Noonan syndrome 9 (NS9). Identifiers: Orphanet 648, MedGen C4225282, MONDO:0014691, OMIM 616559.

Submission:

Labcorp Genetics (formerly Invitae), Labcorp
Classification: Uncertain significance for Noonan syndrome 9. Last evaluated: 2025-04-03. Review status: criteria provided, single submitter. Criteria: Invitae Variant Classification Sherloc (09022015). Collection method: clinical testing. Allele origin: germline.
Comment: This sequence change replaces glutamine, which is neutral and polar, with glutamic acid, which is acidic and polar, at codon 63 of the SOS2 protein (p.Gln63Glu). This variant is not present in population databases (gnomAD no frequency). This variant has not been reported in the literature in individuals affected with SOS2-related conditions. Invitae Evidence Modeling of protein sequence and biophysical properties (such as structural, functional, and spatial information, amino acid conservation, physicochemical variation, residue mobility, and thermodynamic stability) indicates that this missense variant is not expected to disrupt SOS2 protein function with a negative predictive value of 95%. In summary, the available evidence is currently insufficient to determine the role of this variant in disease. Therefore, it has been classified as a Variant of Uncertain Significance.

NM_006939.4(SOS2):c.187C>G (p.Gln63Glu)

Gene: SOS2 (SOS Ras/Rho guanine nucleotide exchange factor 2; minus strand). Cytogenetic location: 14q21.3.
Variant type: single nucleotide variant.
Coding change: c.187C>G on transcript NM_006939.4 (MANE Select); coding-DNA position 187, C replaced by G.
Protein change: p.Gln63Glu; replaces glutamine 63 with glutamic acid.
Molecular consequence: missense variant.
Genome position (GRCh38, 1-based): chr14:50,204,310, G>C on the plus strand (C>G on the coding strand, the complement: SOS2 is on the minus strand). VCF-style: chr14-50204310-G-C. GRCh37 (hg19) VCF-style: chr14-50671028-G-C.
Other names: c.187C>G, p.Gln63Glu (NM_001411020.1); short protein forms Q63E.
Identifiers: ClinVar variation 4709547 (VCV004709547.1).